The following is an entry in ClinVar:

ClinVar aggregate classification (germline): Conflicting classifications of pathogenicity. Review status: criteria provided, conflicting classifications (1 of 4 stars). 4 submissions from 4 submitters: Uncertain significance (3); Benign (1). Last evaluated 2026-01-19.

Conditions:
LAMA2-related muscular dystrophy (LAMA2-RD). Also called: Laminin alpha 2-related dystrophy. Identifiers: MedGen C5679788, MONDO:0100228.

Allele frequency attached by ClinVar (database versions not stated): gnomAD exomes 0.00002 and 0.00004; ExAC 0.00004; gnomAD 0.00011 and 0.00014; TOPMed 0.00017; ESP Exome Variant Server 0.00023.
gnomAD v4.1: 56 of 1,613,976 alleles (0.0035%); highest among the groups gnomAD compares: African/African-American, 0.059%; no homozygotes.

Submissions (4):

Labcorp Genetics (formerly Invitae), Labcorp
Classification: Benign for LAMA2-related muscular dystrophy. Last evaluated: 2026-01-19. Review status: criteria provided, single submitter. Criteria: Invitae Variant Classification Sherloc (09022015). Collection method: clinical testing. Allele origin: germline.

Revvity Omics, Revvity
Classification: Uncertain significance. Last evaluated: 2025-03-04. Review status: criteria provided, single submitter. Criteria: ACMG Guidelines, 2015. Collection method: clinical testing. Allele origin: germline.

Mayo Clinic Laboratories, Mayo Clinic
Classification: Uncertain significance. Last evaluated: 2022-07-29. Review status: criteria provided, single submitter. Criteria: ACMG Guidelines, 2015. Collection method: clinical testing. Allele origin: germline. Observed: 1 variant allele.
Comment: BP4, PM2

Myriad Genetics, Inc.
Classification: Uncertain significance for LAMA2-related muscular dystrophy. Last evaluated: 2021-10-01. Review status: criteria provided, single submitter. Criteria: Myriad Autosomal Dominant, Autosomal Recessive and X-Linked Classification Criteria (2023). Collection method: clinical testing. Allele origin: unknown.
Comment: NM_000426.3(LAMA2):c.542A>G(N181S) is a missense variant classified as a variant of uncertain significance in the context of muscular dystrophy, LAMA2-related. N181S has not been observed in cases with relevant disease. Functional assessments of this variant are not available in the literature. N181S has been observed in population frequency databases (gnomAD: AFR 0.05%). In summary, there is insufficient evidence to classify NM_000426.3(LAMA2):c.542A>G(N181S) as pathogenic or benign. Please note: this variant was assessed in the context of healthy population screening.

Literature cited by the submitters: PubMed 31983221 (cited by Mayo Clinic Laboratories, Mayo Clinic).

NM_000426.4(LAMA2):c.542A>G (p.Asn181Ser)

Gene: LAMA2 (laminin subunit alpha 2; plus strand). Cytogenetic location: 6q22.33.
Variant type: single nucleotide variant.
Coding change: c.542A>G on transcript NM_000426.4 (MANE Select); coding-DNA position 542, A replaced by G.
Protein change: p.Asn181Ser; replaces asparagine 181 with serine.
Molecular consequence: missense variant.
Genome position (GRCh38, 1-based): chr6:129,098,318, A>G. VCF-style: chr6-129098318-A-G. GRCh37 (hg19) VCF-style: chr6-129419463-A-G.
Other names: p.Asn181Ser; c.542A>G, p.Asn181Ser (NM_001079823.2); short protein forms N181S.
Identifiers: ClinVar variation 477487 (VCV000477487.16), dbSNP rs143664472, ClinGen allele CA3992360.
Genomic context (GRCh38, chr6:129,098,318, plus strand): 5'-TTGAATACAAGCCCTGGCAGTATCATGCTGTGACAGACACGGAGTGCCTAACGCTTTACA[A>G]TATTTATCCCCGCACTGGGCCACCGTCATATGCCAAAGATGATGAGGTCATCTGCACTTC-3'
Protein context (NP_000417.3, residues 171-191): VTDTECLTLY[Asn181Ser]IYPRTGPPSY